The following is an entry in ClinVar:

ClinVar aggregate classification (germline): Pathogenic (1 of 4 stars; one submission).

Conditions:
Perlman syndrome (PRLMNS). Identifiers: Orphanet 2849, MedGen C0796113, MONDO:0009965, OMIM 267000.

Submission:

Labcorp Genetics (formerly Invitae), Labcorp
Classification: Pathogenic for Perlman syndrome. Last evaluated: 2024-01-21. Review status: criteria provided, single submitter. Criteria: Invitae Variant Classification Sherloc (09022015). Collection method: clinical testing. Allele origin: unknown.
Comment: This variant is a gross deletion of the genomic region encompassing exon(s) 9 of the DIS3L2 gene. This variant would be expected to be in-frame, preserving the integrity of the reading frame. A similar copy number variant has been observed in individual(s) with Perlman syndrome (PMID: 22306653, 23486540). Algorithms developed to predict the effect of variants on protein structure and function are not available or were not evaluated for this variant. Experimental studies have shown that a similar copy number variant affects DIS3L2 function (PMID: 22306653). The region of the DIS3L2 gene that includes exon(s) exon 9 has been determined to be clinically significant (PMID: 22306653, 23486540). Therefore, deletions that encompass that region are likely to be disease-causing. For these reasons, this variant has been classified as Pathogenic.

Literature cited by the submitters: PubMed 22306653; PubMed 23486540.

NC_000002.11:g.(?_233028149)_(233028362_?)del

Gene: DIS3L2 (DIS3 like 3'-5' exoribonuclease 2; plus strand). Cytogenetic location: 2q37.1.
Variant type: Deletion.
Identifiers: ClinVar variation 3247209 (VCV003247209.1).